The following is an entry in ClinVar:

NM_000834.5(GRIN2B):c.2247G>A (p.Val749=)

Gene: GRIN2B (glutamate ionotropic receptor NMDA type subunit 2B; minus strand). Cytogenetic location: 12p13.1.
Variant type: single nucleotide variant.
Coding change: c.2247G>A on transcript NM_000834.5 (MANE Select); coding-DNA position 2247, G replaced by A.
Protein change: p.Val749=; no amino-acid change (valine 749 retained).
Molecular consequence: synonymous variant.
Genome position (GRCh38, 1-based): chr12:13,569,942, C>T on the plus strand (G>A on the coding strand, the complement: GRIN2B is on the minus strand). VCF-style: chr12-13569942-C-T. GRCh37 (hg19) VCF-style: chr12-13722876-C-T.
Identifiers: ClinVar variation 307745 (VCV000307745.39), dbSNP rs757990373, ClinGen allele CA6461090.

ClinVar aggregate classification (germline): Likely benign. Review status: criteria provided, multiple submitters, no conflicts (2 of 4 stars). 6 submissions from 6 submitters: Likely benign (6). Last evaluated 2026-06-01.

Conditions:
Inborn genetic diseases. Identifiers: MedGen C0950123, MeSH D030342.
Intellectual developmental disorder, autosomal dominant 6, with or without seizures. Also called: GRIN2B-related developmental delay, intellectual disability and autism spectrum disorder; Intellectual disability, autosomal dominant 6. Identifiers: Orphanet 589547, MedGen C3151411, MONDO:0013509, OMIM 613970.
Developmental and epileptic encephalopathy, 27 (DEE27). Also called: GRIN2B-Related Neurodevelopmental Disorder; Epileptic encephalopathy, early infantile, 27. Identifiers: Orphanet 3451, MedGen C4015316, MONDO:0014505, OMIM 616139.

Allele frequency attached by ClinVar (database versions not stated): gnomAD exomes 0.00006 and 0.00002; gnomAD 0.00003 and 0.00004; TOPMed 0.00003; ExAC 0.00005.
gnomAD v4.1: 36 of 1,612,416 alleles (0.0022%); highest among the groups gnomAD compares: Admixed American, 0.013%; no homozygotes.

Submissions (6):

CeGaT Center for Human Genetics Tuebingen
Classification: Likely benign. Last evaluated: 2026-06-01. Review status: criteria provided, single submitter. Criteria: CeGaT Center For Human Genetics Tuebingen Variant Classification Criteria Version 2. Collection method: clinical testing. Allele origin: germline. Affected: yes. Observed: 2 variant alleles.
Comment: GRIN2B: BP4, BP7

Labcorp Genetics (formerly Invitae), Labcorp
Classification: Likely benign for Developmental and epileptic encephalopathy, 27; Intellectual developmental disorder, autosomal dominant 6, with or without seizures. Last evaluated: 2025-10-26. Review status: criteria provided, single submitter. Criteria: Invitae Variant Classification Sherloc (09022015). Collection method: clinical testing. Allele origin: germline.

Athena Diagnostics
Classification: Likely benign. Last evaluated: 2024-01-10. Review status: criteria provided, single submitter. Criteria: Athena Diagnostics Criteria. Collection method: clinical testing. Allele origin: unknown.

Blueprint Genetics
Classification: Likely benign. Last evaluated: 2021-10-04. Review status: criteria provided, single submitter. Criteria: ACMG Guidelines, 2015. Collection method: clinical testing. Allele origin: germline.

GeneDx
Classification: Likely benign. Last evaluated: 2020-12-10. Review status: criteria provided, single submitter. Criteria: GeneDx Variant Classification Process June 2021. Collection method: clinical testing. Allele origin: germline. Affected: yes.
Comment: Has not been previously published as pathogenic or benign to our knowledge; In silico analysis, which includes splice predictors and evolutionary conservation, suggests this variant may impact gene splicing. In the absence of RNA/functional studies, the actual effect of this sequence change is unknown.

Ambry Genetics
Classification: Likely benign for Inborn genetic diseases. Last evaluated: 2017-05-31. Review status: criteria provided, single submitter. Criteria: Ambry Variant Classification Scheme 2023. Collection method: clinical testing. Allele origin: germline.